The following is an entry in ClinVar:

ClinVar aggregate classification (germline): Likely pathogenic (1 of 4 stars; one submission).

Submission:

Human Genetics Bochum, Ruhr University Bochum
Classification: Likely pathogenic. Last evaluated: 2023-04-04. Review status: criteria provided, single submitter. Criteria: ACMG Guidelines, 2015. Collection method: clinical testing. Allele origin: germline. Affected: yes.
Comment: ACMG criteria used to clasify this variant: PVS1, PM2_SUP

NM_000088.4(COL1A1):c.623del (p.Pro208fs)

Gene: COL1A1 (collagen type I alpha 1 chain; minus strand). Cytogenetic location: 17q21.33.
Variant type: Deletion.
Coding change: c.623del on transcript NM_000088.4 (MANE Select); coding-DNA position 623, one base deleted (C; older notation c.623delC).
Protein change: p.Pro208fs; shifts the reading frame from proline 208.
Molecular consequence: frameshift variant.
Genome position (GRCh38, 1-based): chr17:50,197,968, G deleted on the plus strand (C on the coding strand, the reverse complement: COL1A1 is on the minus strand); the first of 2 consecutive G bases (chr17:50,197,968-50,197,969); deleting either gives the same sequence. VCF-style (leftmost placement, unchanged base first): chr17-50197967-AG-A. GRCh37 (hg19) VCF-style: chr17-48275328-AG-A.
Other names: short protein forms P208fs.
Identifiers: ClinVar variation 2583133 (VCV002583133.1), dbSNP rs2509246751, ClinGen allele CA2582342193.
Genomic context (GRCh38, chr17:50,197,967, plus strand): 5'-GTGTTTGTAGAAGGAGTATGAATCTGTATAGAGAGTGCTTACTGAAGCTCCAGGCTCGCC[AG>A]GCTCACCAGGGGGACCTTGGAAGCCTTGGGGACCCTTGAGAAGAAGGAAAAAGATGGGTT-3'